The following is an entry in ClinVar:

NM_020771.4(HACE1):c.1896T>C (p.Tyr632=)

Gene: HACE1 (HECT domain and ankyrin repeat containing E3 ubiquitin protein ligase 1; minus strand). Cytogenetic location: 6q16.3.
Variant type: single nucleotide variant.
Coding change: c.1896T>C on transcript NM_020771.4 (MANE Select); coding-DNA position 1896, T replaced by C.
Protein change: p.Tyr632=; no amino-acid change (tyrosine 632 retained).
Molecular consequence: synonymous variant. On other transcripts: non-coding transcript variant (7).
Genome position (GRCh38, 1-based): chr6:104,772,043, A>G on the plus strand (T>C on the coding strand, the complement: HACE1 is on the minus strand). VCF-style: chr6-104772043-A-G. GRCh37 (hg19) VCF-style: chr6-105219918-A-G.
Other names: c.1896T>C (NM_020771.3); c.1764T>C, p.Tyr588= (NM_001321080.2); c.1794T>C, p.Tyr598= (NM_001321083.2); c.1392T>C, p.Tyr464= (NM_001321084.2, NM_001350557.2, NM_001350558.2); c.1662T>C, p.Tyr554= (NM_001350554.2); c.1605T>C, p.Tyr535= (NM_001350555.2); c.1410T>C, p.Tyr470= (NM_001350556.2); c.1314T>C, p.Tyr438= (NM_001350559.2); and 1 more.
Identifiers: ClinVar variation 2722454 (VCV002722454.5), dbSNP rs376269563, ClinGen allele CA3940138.

ClinVar aggregate classification (germline): Likely benign. Review status: criteria provided, single submitter (1 of 4 stars). 2 submissions from 2 submitters: Likely benign (1). 1 of the submissions does not count toward it. Last evaluated 2022-11-01.

Conditions:
HACE1-related disorder. Also called: HACE1-related condition.

Allele frequency attached by ClinVar (database versions not stated): ExAC 0.00004; ESP Exome Variant Server 0.00008; gnomAD 0.00023; TOPMed 0.00029.
gnomAD v4.1: 62 of 1,605,710 alleles (0.0039%); highest among the groups gnomAD compares: African/African-American, 0.067%; no homozygotes.

Submissions (2):

Labcorp Genetics (formerly Invitae), Labcorp
Classification: Likely benign. Last evaluated: 2022-11-01. Review status: criteria provided, single submitter. Criteria: Invitae Variant Classification Sherloc (09022015). Collection method: clinical testing. Allele origin: germline.

PreventionGenetics, part of Exact Sciences
Classification: Likely benign for HACE1-related condition. Last evaluated: 2019-03-21. Review status: no assertion criteria provided. Collection method: clinical testing. Allele origin: germline. Not counted in ClinVar's aggregate classification.
Comment: This variant is classified as likely benign based on ACMG/AMP sequence variant interpretation guidelines (Richards et al. 2015 PMID: 25741868, with internal and published modifications).